The following is an entry in ClinVar:

ClinVar aggregate classification (germline): Likely pathogenic (1 of 4 stars; one submission).

Conditions:
Gaucher disease type II (GD2). Also called: GAUCHER DISEASE, ACUTE NEURONOPATHIC TYPE; GD II; Acute neuronopathic Gaucher's disease; Type 2 Gaucher disease (Acute; Infantile). Identifiers: Orphanet 77260, MedGen C0268250, MONDO:0009266, OMIM 230900.

Submission:

Foundation for Research in Genetics and Endocrinology, FRIGE's Institute of Human Genetics
Classification: Likely pathogenic for Gaucher disease type II. Last evaluated: 2024-10-24. Review status: criteria provided, single submitter. Criteria: ACMG Guidelines, 2015. Collection method: clinical testing. Allele origin: germline. Inheritance: Autosomal recessive inheritance. Affected: yes. Observed: 1 variant allele, 1 compound heterozygote.
Comment: A heterozygous missense variant in exon 5 of the GBA1 gene that results in the amino acid substitution of Valine for Isoleucine at codon 158 was detected. The observed variant c.472A>G has not been reported in the 1000 genomes and gnomAD databases. The in-silico prediction of the variant is deleterious by MutationTaster2, and FATHMM. In summary, the variant meets our criteria to be classified as likely pathogenic.

NM_000157.4(GBA1):c.472A>G (p.Ile158Val)

Genes: GBA1 (glucosylceramidase beta 1; minus strand), LOC106627981 (GBA recombination region; plus strand). Cytogenetic location: 1q22.
Variant type: single nucleotide variant.
Coding change: c.472A>G on transcript NM_000157.4 (MANE Select); coding-DNA position 472, A replaced by G.
Protein change: p.Ile158Val; replaces isoleucine 158 with valine.
Molecular consequence: missense variant.
Genome position (GRCh38, 1-based): chr1:155,238,633, T>C on the plus strand (A>G on the coding strand, the complement: GBA1 is on the minus strand). VCF-style: chr1-155238633-T-C. GRCh37 (hg19) VCF-style: chr1-155208424-T-C.
Other names: p.Ile158Val; c.472A>G, p.Ile158Val (NM_001005741.3, NM_001005742.3); c.211A>G, p.Ile71Val (NM_001171811.2); c.325A>G, p.Ile109Val (NM_001171812.2); short protein forms I109V, I158V, I71V.
Identifiers: ClinVar variation 4820326 (VCV004820326.1).